The following is an entry in ClinVar:

NM_001127208.3(TET2):c.2230C>T (p.Gln744Ter)

Genes: TET2 (tet methylcytosine dioxygenase 2; plus strand), TET2-AS1 (TET2 antisense RNA 1; minus strand). Cytogenetic location: 4q24.
Variant type: single nucleotide variant.
Coding change: c.2230C>T on transcript NM_001127208.3 (MANE Select); coding-DNA position 2230, C replaced by T.
Protein change: p.Gln744Ter; replaces glutamine 744 with a stop codon.
Molecular consequence: nonsense.
Genome position (GRCh38, 1-based): chr4:105,236,172, C>T. VCF-style: chr4-105236172-C-T. GRCh37 (hg19) VCF-style: chr4-106157329-C-T.
Other names: c.2230C>T, p.Gln744Ter (NM_017628.4); short protein forms Q744*.
Identifiers: ClinVar variation 1318951 (VCV001318951.2), dbSNP rs1363720470, ClinGen allele CA357798372.

ClinVar aggregate classification (germline): Uncertain significance (1 of 4 stars; one submission).

Allele frequency attached by ClinVar (database versions not stated): gnomAD exomes below 0.00001; TOPMed below 0.00001; gnomAD 0.00001.
gnomAD v4.1: 7 of 1,613,982 alleles (0.00043%); highest among the groups gnomAD compares: African/African-American, 0.0013%; no homozygotes.

Submission:

GeneDx
Classification: Uncertain significance. Last evaluated: 2020-01-27. Review status: criteria provided, single submitter. Criteria: GeneDx Variant Classification Process June 2021. Collection method: clinical testing. Allele origin: germline. Affected: yes.
Comment: Nonsense variant predicted to result in protein truncation or nonsense mediated decay in a gene for which loss-of-function is not a known mechanism of disease; Not observed at a significant frequency in large population cohorts (Lek et al., 2016); Has not been previously published as pathogenic or benign to our knowledge